The following is an entry in ClinVar:

NM_001386795.1(DTNA):c.2178A>C (p.Ala726=)

Gene: DTNA (dystrobrevin alpha; plus strand). Cytogenetic location: 18q12.1.
Variant type: single nucleotide variant.
Coding change: c.2178A>C on transcript NM_001386795.1 (MANE Select); coding-DNA position 2178, A replaced by C.
Protein change: p.Ala726=; no amino-acid change (alanine 726 retained).
Molecular consequence: synonymous variant.
Genome position (GRCh38, 1-based): chr18:34,882,084, A>C. VCF-style: chr18-34882084-A-C. GRCh37 (hg19) VCF-style: chr18-32462048-A-C.
Other names: c.1917A>C, p.Ala639= (NM_001198938.2, NM_001198940.2, NM_001386753.1 and 5 more transcripts); c.1938A>C, p.Ala646= (NM_001198939.2); c.1224A>C, p.Ala408= (NM_001198942.1); c.1167A>C, p.Ala389= (NM_001198943.1); c.1053A>C, p.Ala351= (NM_001198944.1); c.2007A>C, p.Ala669= (NM_001386754.1, NM_001386755.1, NM_001386756.1 and 3 more transcripts); c.2004A>C, p.Ala668= (NM_001386760.1); c.1926A>C, p.Ala642= (NM_001386761.1, NM_032975.4); and 5 more.
Identifiers: ClinVar variation 929873 (VCV000929873.39), dbSNP rs145486636, ClinGen allele CA8935962.
Genomic context (GRCh38, chr18:34,882,084, plus strand): 5'-TCTTTTAAGATTTGCTCTAACATGTCATCTGTGGTTTATTTTCAGGGTTACGGAGGATGC[A>C]GATCCCTATGTGCAGCCTGAAGATGAAAACTATGAAAATGACTCTGTCCGGCAGCTGGAG-3'
Protein context (NP_001373724.1, residues 716-736): TMRGDMVTED[Ala726=]DPYVQPEDEN

ClinVar aggregate classification (germline): Benign/Likely benign. Review status: criteria provided, multiple submitters, no conflicts (2 of 4 stars). 7 submissions from 7 submitters: Benign (3); Likely benign (3). 1 of the submissions does not count toward it. Last evaluated 2025-12-26.

Conditions:
DTNA-related disorder. Also called: DTNA-related condition.
Left ventricular noncompaction 1 (LVNC1). Also called: LEFT VENTRICULAR NONCOMPACTION 1 WITH OR WITHOUT CONGENITAL HEART DEFECTS. Identifiers: Orphanet 54260, MedGen C1858725, MONDO:0011403, OMIM 604169.

Allele frequency attached by ClinVar (database versions not stated): gnomAD exomes 0.00005 and 0.00013; ExAC 0.00016; ESP Exome Variant Server 0.00054; gnomAD 0.00063; TOPMed 0.00064; 1000 Genomes Project 30x 0.00094; 1000 Genomes Project 0.00120.
gnomAD v4.1: 178 of 1,614,146 alleles (0.011%); highest among the groups gnomAD compares: African/African-American, 0.21%; no homozygotes.

Submissions (7):

Labcorp Genetics (formerly Invitae), Labcorp
Classification: Benign for Left ventricular noncompaction 1. Last evaluated: 2025-12-26. Review status: criteria provided, single submitter. Criteria: Invitae Variant Classification Sherloc (09022015). Collection method: clinical testing. Allele origin: germline.

Women's Health and Genetics/Laboratory Corporation of America, LabCorp
Classification: Benign. Last evaluated: 2025-05-02. Review status: criteria provided, single submitter. Criteria: LabCorp Variant Classification Summary - May 2015. Collection method: clinical testing. Allele origin: germline.

CeGaT Center for Human Genetics Tuebingen
Classification: Likely benign. Last evaluated: 2023-02-01. Review status: criteria provided, single submitter. Criteria: CeGaT Center For Human Genetics Tuebingen Variant Classification Criteria Version 2. Collection method: clinical testing. Allele origin: germline. Affected: yes. Observed: 1 variant allele.
Comment: DTNA: BP4, BP7

GeneDx
Classification: Benign. Last evaluated: 2015-03-03. Review status: criteria provided, single submitter. Criteria: GeneDx Variant Classification Process June 2021. Collection method: clinical testing. Allele origin: germline. Affected: yes.

Laboratory for Molecular Medicine, Mass General Brigham Personalized Medicine
Classification: Likely benign. Last evaluated: 2012-03-19. Review status: criteria provided, single submitter. Criteria: LMM Criteria. Collection method: clinical testing. Allele origin: germline. Observed: 1 variant allele.
Comment: p.Ala642Ala in Exon 20 of DTNA: This variant is not expected to have clinical significance because it does not alter an amino acid residue, is not located within the splice consensus sequence. It has been identified in 0.1% (5/3738) of African American chromosomes from a broad population by the NHLBI Exome Sequencing Project (dbSNP rs145486636).

Breakthrough Genomics
Classification: Likely benign. Review status: criteria provided, single submitter. Criteria: ACMG Guidelines, 2015. Collection method: not provided. Allele origin: germline. Inheritance: Autosomal dominant inheritance. Affected: yes.

PreventionGenetics, part of Exact Sciences
Classification: Likely benign for DTNA-related condition. Last evaluated: 2022-03-14. Review status: no assertion criteria provided. Collection method: clinical testing. Allele origin: germline. Not counted in ClinVar's aggregate classification.
Comment: This variant is classified as likely benign based on ACMG/AMP sequence variant interpretation guidelines (Richards et al. 2015 PMID: 25741868, with internal and published modifications).